The following is an entry in ClinVar:

ClinVar aggregate classification (germline): Likely pathogenic (1 of 4 stars; one submission).

Conditions:
Myocardial infarction, susceptibility to. Identifiers: MedGen C1832662, MONDO:0012039, OMIM 608446.
Congenital factor VII deficiency. Identifiers: Orphanet 327, MedGen C0272320, MONDO:0009211, OMIM 227500.

Submission:

Juno Genomics, Hangzhou Juno Genomics, Inc
Classification: Likely pathogenic for Myocardial infarction, susceptibility to; Congenital factor VII deficiency. Review status: criteria provided, single submitter. Criteria: ACMG Guidelines, 2015. Collection method: clinical testing. Allele origin: germline. Affected: yes.
Comment: Absent from controls (or at extremely low frequency if recessive) in Genome Aggregation Database, Exome Sequencing Project, 1000 Genomes Project, or Exome Aggregation Consortium.;Null variant in a gene where loss of function (LOF) is a known mechanism of disease.

NM_019616.4(F7):c.80del (p.Glu27fs)

Gene: F7 (coagulation factor VII; plus strand). Cytogenetic location: 13q34.
Variant type: Deletion.
Coding change: c.80del on transcript NM_019616.4 (MANE Select); coding-DNA position 80, one base deleted (A; older notation c.80delA).
Protein change: p.Glu27fs; shifts the reading frame from glutamic acid 27.
Molecular consequence: frameshift variant. On other transcripts: non-coding transcript variant (1), intron variant (1).
Genome position (GRCh38, 1-based): chr13:113,110,705, A deleted. VCF-style (leftmost placement, unchanged base first): chr13-113110704-GA-G. GRCh37 (hg19) VCF-style: chr13-113765018-GA-G.
Other names: c.146delA, p.Glu49Glyfs (NM_000131.5); c.65-3142del (NM_001267554.2); short protein forms E27fs, E49fs.
Identifiers: ClinVar variation 3382418 (VCV003382418.2).
Genomic context (GRCh38, chr13:113,110,704, plus strand): 5'-TGGGCGGGGCACGCGGTGGGCGCTTCACGGAACTCGCATTTCCCAGTCTTCGTAACCCAG[GA>G]GGAAGCCCACGGCGTCCTGCACCGGCGCCGGCGCGCCAACGCGTTCCTGGAGGAGCTGCG-3'